The following is an entry in ClinVar:

ClinVar aggregate classification (germline): Pathogenic (1 of 4 stars; one submission).

Conditions:
Acromesomelic dysplasia 1, Maroteaux type (AMD1). Also called: ACROMESOMELIC DYSPLASIA 1; ST. HELENA DYSPLASIA. Identifiers: Orphanet 40, MedGen C1864356, MONDO:0011275, OMIM 602875.
Tall stature-scoliosis-macrodactyly of the great toes syndrome. Also called: Epiphyseal chondrodysplasia, miura type. Identifiers: Orphanet 329191, MedGen C4014690, MONDO:0014401, OMIM 615923.

Submission:

Labcorp Genetics (formerly Invitae), Labcorp
Classification: Pathogenic for Tall stature-scoliosis-macrodactyly of the great toes syndrome; Acromesomelic dysplasia 1, Maroteaux type. Last evaluated: 2021-11-15. Review status: criteria provided, single submitter. Criteria: Invitae Variant Classification Sherloc (09022015). Collection method: clinical testing. Allele origin: germline.
Comment: For these reasons, this variant has been classified as Pathogenic. This variant has not been reported in the literature in individuals affected with NPR2-related conditions. This variant is not present in population databases (gnomAD no frequency). This sequence change creates a premature translational stop signal (p.Glu567*) in the NPR2 gene. It is expected to result in an absent or disrupted protein product. Loss-of-function variants in NPR2 are known to be pathogenic (PMID: 15146390, 15572448, 16384845).

Literature cited by the submitters: PubMed 15146390; PubMed 15572448; PubMed 16384845.

NM_003995.4(NPR2):c.1699G>T (p.Glu567Ter)

Gene: NPR2 (natriuretic peptide receptor 2; plus strand). Cytogenetic location: 9p13.3.
Variant type: single nucleotide variant.
Coding change: c.1699G>T on transcript NM_003995.4 (MANE Select); coding-DNA position 1699, G replaced by T.
Protein change: p.Glu567Ter; replaces glutamic acid 567 with a stop codon.
Molecular consequence: nonsense.
Genome position (GRCh38, 1-based): chr9:35,802,272, G>T. VCF-style: chr9-35802272-G-T. GRCh37 (hg19) VCF-style: chr9-35802269-G-T.
Other names: c.1708G>T, p.Glu570Ter (NM_001378923.1); short protein forms E570*, E567*.
Identifiers: ClinVar variation 1453237 (VCV001453237.6), dbSNP rs2132082975, ClinGen allele CA373374100.
Genomic context (GRCh38, chr9:35,802,272, plus strand): 5'-GTTGTCGCCATCAAACATGTGAATAAGAAGCGCATTGAGCTGACCCGGCAGGTTCTGTTT[G>T]AACTCAAACATGTATGTAACAGAGGATGGACTCTAACATGTATGTAATGGAGGAGTGGGG-3'